The following is an entry in ClinVar:

ClinVar aggregate classification (germline): Uncertain significance (1 of 4 stars; one submission).

Allele frequency attached by ClinVar (database versions not stated): gnomAD exomes below 0.00001.
gnomAD v4.1: 3 of 1,613,156 alleles (0.00019%); highest among the groups gnomAD compares: African/African-American, 0.004%; no homozygotes.

Submission:

Labcorp Genetics (formerly Invitae), Labcorp
Classification: Uncertain significance. Last evaluated: 2022-10-24. Review status: criteria provided, single submitter. Criteria: Invitae Variant Classification Sherloc (09022015). Collection method: clinical testing. Allele origin: germline.
Comment: The COL18A1 gene has multiple clinically relevant transcripts. This variant occurs in alternate transcript NM_030582.4, and corresponds to¬†NM_130445.3:c.107-12389C>T in the primary transcript. This sequence change replaces alanine, which is neutral and non-polar, with valine, which is neutral and non-polar, at codon 108 of the COL18A1 protein (p.Ala108Val). This variant is not present in population databases (gnomAD no frequency). This variant has not been reported in the literature in individuals affected with COL18A1-related conditions. ClinVar contains an entry for this variant (Variation ID: 1385039). Experimental studies and prediction algorithms are not available or were not evaluated, and the functional significance of this variant is currently unknown. Algorithms developed to predict the effect of sequence changes on RNA splicing suggest that this variant is not likely to affect RNA splicing. In summary, the available evidence is currently insufficient to determine the role of this variant in disease. Therefore, it has been classified as a Variant of Uncertain Significance.

NM_001379500.1(COL18A1):c.107-12389C>T

Gene: COL18A1 (collagen type XVIII alpha 1 chain; plus strand). Cytogenetic location: 21q22.3.
Variant type: single nucleotide variant.
Coding change: c.107-12389C>T on transcript NM_001379500.1 (MANE Select); 12389 bases into the intron before coding-DNA position 107, C replaced by T.
Molecular consequence: intron variant. On other transcripts: missense variant (2).
Genome position (GRCh38, 1-based): chr21:45,455,853, C>T. VCF-style: chr21-45455853-C-T. GRCh37 (hg19) VCF-style: chr21-46875767-C-T.
Other names: c.323C>T, p.Ala108Val (NM_030582.4, NM_130444.3); short protein forms A108V.
Identifiers: ClinVar variation 1385039 (VCV001385039.3), dbSNP rs867129226, ClinGen allele CA321894718.
Genomic context (GRCh38, chr21:45,455,853, plus strand): 5'-AAGATGGCCAGGACACCCCCACTTCTGCCGAGAGCCCGGACGCGCCAGAGGAGAACATTG[C>T]CGGTGTCGGAGCCGAGATCCTGAACGTGGCCAAAGGCATCCGGAGCTTCGTCCAGCTGTG-3'